The following is an entry in ClinVar:

NM_032237.5(POMK):c.259G>C (p.Val87Leu)

Gene: POMK (protein O-mannose kinase; plus strand). Cytogenetic location: 8p11.21.
Variant type: single nucleotide variant.
Coding change: c.259G>C on transcript NM_032237.5 (MANE Select); coding-DNA position 259, G replaced by C.
Protein change: p.Val87Leu; replaces valine 87 with leucine.
Molecular consequence: missense variant.
Genome position (GRCh38, 1-based): chr8:43,103,807, G>C. VCF-style: chr8-43103807-G-C. GRCh37 (hg19) VCF-style: chr8-42958950-G-C.
Other names: c.259G>C, p.Val87Leu (NM_001277971.2); short protein forms V87L.
Identifiers: ClinVar variation 2145115 (VCV002145115.4), dbSNP rs758336306, ClinGen allele CA4736233.

ClinVar aggregate classification (germline): Uncertain significance (1 of 4 stars; one submission).

Conditions:
Limb-girdle muscular dystrophy due to POMK deficiency. Also called: MUSCULAR DYSTROPHY-DYSTROGLYCANOPATHY, LIMB-GIRDLE, POMK-RELATED; Muscular dystrophy-dystroglycanopathy (limb-girdle), type c, 12. Identifiers: Orphanet 445110, MedGen C4015184, MONDO:0014489, OMIM 616094.
Muscular dystrophy-dystroglycanopathy (congenital with brain and eye anomalies), type a, 12 (MDDGA12). Also called: WALKER-WARBURG SYNDROME OR MUSCLE-EYE-BRAIN DISEASE, POMK-RELATED. Identifiers: Orphanet 899, MedGen C3808964, MONDO:0014101, OMIM 615249.

Allele frequency attached by ClinVar (database versions not stated): ExAC 0.00001.
gnomAD v4.1: 4 of 1,614,240 alleles (0.00025%); highest among the groups gnomAD compares: Non-Finnish European, 0.00034%; no homozygotes.

Submission:

Labcorp Genetics (formerly Invitae), Labcorp
Classification: Uncertain significance for Muscular dystrophy-dystroglycanopathy (congenital with brain and eye anomalies), type a, 12; Limb-girdle muscular dystrophy due to POMK deficiency. Last evaluated: 2022-02-24. Review status: criteria provided, single submitter. Criteria: Invitae Variant Classification Sherloc (09022015). Collection method: clinical testing. Allele origin: germline.
Comment: This sequence change replaces valine, which is neutral and non-polar, with leucine, which is neutral and non-polar, at codon 87 of the POMK protein (p.Val87Leu). This variant is present in population databases (rs758336306, gnomAD 0.0009%). This variant has not been reported in the literature in individuals affected with POMK-related conditions. Algorithms developed to predict the effect of missense changes on protein structure and function (SIFT, PolyPhen-2, Align-GVGD) all suggest that this variant is likely to be tolerated. In summary, the available evidence is currently insufficient to determine the role of this variant in disease. Therefore, it has been classified as a Variant of Uncertain Significance.